The following is an entry in ClinVar:

NM_000329.3(RPE65):c.999-2A>G

Gene: RPE65 (retinoid isomerohydrolase RPE65; minus strand). Cytogenetic location: 1p31.3.
Variant type: single nucleotide variant.
Coding change: c.999-2A>G on transcript NM_000329.3 (MANE Select); the canonical splice acceptor site of the intron before coding-DNA position 999, A replaced by G.
Molecular consequence: splice acceptor variant.
Genome position (GRCh38, 1-based): chr1:68,438,318, T>C on the plus strand (A>G on the coding strand, the complement: RPE65 is on the minus strand). VCF-style: chr1-68438318-T-C. GRCh37 (hg19) VCF-style: chr1-68904001-T-C.
Other names: c.891-2A>G (NM_001406853.1); c.999-2A>G (NM_001406859.1); c.723-2A>G (NM_001406857.1, NM_001406856.1).
Identifiers: ClinVar variation 2033041 (VCV002033041.4), dbSNP rs2523423130, ClinGen allele CA340744503.

ClinVar aggregate classification (germline): Pathogenic (1 of 4 stars; one submission).

Conditions:
Leber congenital amaurosis 2 (LCA2). Also called: AMAUROSIS CONGENITA OF LEBER II; Autosomal Recessive RPE65-Related Retinal Degeneration. Identifiers: Orphanet 65, MedGen C1859844, MONDO:0008765, OMIM 204100. Disease mechanism: loss of function.
Retinitis pigmentosa 20 (RP20). Identifiers: Orphanet 791, MedGen C3151086, MONDO:0013425, OMIM 613794.

Submission:

Labcorp Genetics (formerly Invitae), Labcorp
Classification: Pathogenic for Leber congenital amaurosis 2; Retinitis pigmentosa 20. Last evaluated: 2022-09-28. Review status: criteria provided, single submitter. Criteria: Invitae Variant Classification Sherloc (09022015). Collection method: clinical testing. Allele origin: germline.
Comment: For these reasons, this variant has been classified as Pathogenic. Algorithms developed to predict the effect of sequence changes on RNA splicing suggest that this variant may disrupt the consensus splice site. Disruption of this splice site has been observed in individual(s) with autosomal recessive inherited retinal disease (PMID: 31273949). In at least one individual the data is consistent with being in trans (on the opposite chromosome) from a pathogenic variant. This variant is not present in population databases (gnomAD no frequency). This sequence change affects an acceptor splice site in intron 9 of the RPE65 gene. It is expected to disrupt RNA splicing. Variants that disrupt the donor or acceptor splice site typically lead to a loss of protein function (PMID: 16199547), and loss-of-function variants in RPE65 are known to be pathogenic (PMID: 9326941, 9501220, 9843205, 18632300).

Literature cited by the submitters: PubMed 31273949; PubMed 16199547; PubMed 9326941; PubMed 9501220; PubMed 9843205; PubMed 18632300.